The following is an entry in ClinVar:

NM_001256007.3(PNPLA8):c.1359G>A (p.Arg453=)

Gene: PNPLA8 (patatin like domain 8, phospholipase A2; minus strand). Cytogenetic location: 7q31.1.
Variant type: single nucleotide variant.
Coding change: c.1359G>A on transcript NM_001256007.3 (MANE Select); coding-DNA position 1359, G replaced by A.
Protein change: p.Arg453=; no amino-acid change (arginine 453 retained).
Molecular consequence: synonymous variant.
Genome position (GRCh38, 1-based): chr7:108,497,577, C>T on the plus strand (G>A on the coding strand, the complement: PNPLA8 is on the minus strand). VCF-style: chr7-108497577-C-T. GRCh37 (hg19) VCF-style: chr7-108138021-C-T.
Other names: c.1359G>A, p.Arg453= (NM_001256008.3, NM_001256009.3, NM_015723.5); c.1059G>A, p.Arg353= (NM_001256010.3, NM_001256011.3).
Identifiers: ClinVar variation 3710844 (VCV003710844.1).

ClinVar aggregate classification (germline): Uncertain significance (1 of 4 stars; one submission).

Submission:

Labcorp Genetics (formerly Invitae), Labcorp
Classification: Uncertain significance. Last evaluated: 2024-05-26. Review status: criteria provided, single submitter. Criteria: Invitae Variant Classification Sherloc (09022015). Collection method: clinical testing. Allele origin: germline.
Comment: This sequence change affects codon 453 of the PNPLA8 mRNA. It is a 'silent' change, meaning that it does not change the encoded amino acid sequence of the PNPLA8 protein. It affects a nucleotide within the consensus splice site. This variant is present in population databases (rs374540359, gnomAD 0.009%). This variant has not been reported in the literature in individuals affected with PNPLA8-related conditions. Algorithms developed to predict the effect of sequence changes on RNA splicing suggest that this variant may create or strengthen a splice site. In summary, the available evidence is currently insufficient to determine the role of this variant in disease. Therefore, it has been classified as a Variant of Uncertain Significance.